The following is an entry in ClinVar:

ClinVar aggregate classification (germline): Uncertain significance. Review status: criteria provided, multiple submitters, no conflicts (2 of 4 stars). 2 submissions from 2 submitters: Uncertain significance (2). Last evaluated 2025-11-03.

Allele frequency attached by ClinVar (database versions not stated): ESP Exome Variant Server 0.00054; TOPMed 0.00063.
gnomAD v4.1: 1,498 of 1,609,552 alleles (0.093%); highest among the groups gnomAD compares: South Asian, 0.12%; no homozygotes.

Submissions (2):

Labcorp Genetics (formerly Invitae), Labcorp
Classification: Uncertain significance. Last evaluated: 2025-11-03. Review status: criteria provided, single submitter. Criteria: Invitae Variant Classification Sherloc (09022015). Collection method: clinical testing. Allele origin: germline.
Comment: This sequence change replaces proline, which is neutral and non-polar, with alanine, which is neutral and non-polar, at codon 154 of the SULF1 protein (p.Pro154Ala). This variant is present in population databases (rs147245253, gnomAD 0.1%), and has an allele count higher than expected for a pathogenic variant. This variant has not been reported in the literature in individuals affected with SULF1-related conditions. ClinVar contains an entry for this variant (Variation ID: 1389095). An algorithm developed to predict the effect of missense changes on protein structure and function (PolyPhen-2) suggests that this variant is likely to be disruptive. In summary, the available evidence is currently insufficient to determine the role of this variant in disease. Therefore, it has been classified as a Variant of Uncertain Significance.

Ambry Genetics
Classification: Uncertain significance. Last evaluated: 2024-11-14. Review status: criteria provided, single submitter. Criteria: Ambry Variant Classification Scheme 2023. Collection method: clinical testing. Allele origin: germline.

NM_001128205.2(SULF1):c.460C>G (p.Pro154Ala)

Gene: SULF1 (sulfatase 1; plus strand). Cytogenetic location: 8q13.2.
Variant type: single nucleotide variant.
Coding change: c.460C>G on transcript NM_001128205.2 (MANE Select); coding-DNA position 460, C replaced by G.
Protein change: p.Pro154Ala; replaces proline 154 with alanine.
Molecular consequence: missense variant. On other transcripts: non-coding transcript variant (2).
Genome position (GRCh38, 1-based): chr8:69,586,404, C>G. VCF-style: chr8-69586404-C-G. GRCh37 (hg19) VCF-style: chr8-70498639-C-G.
Other names: c.460C>G, p.Pro154Ala (NM_001128204.2, NM_001128206.2, NM_015170.3); c.460C>G (NM_001128205.1); short protein forms P154A.
Identifiers: ClinVar variation 1389095 (VCV001389095.8), dbSNP rs147245253, ClinGen allele CA4775589.
Genomic context (GRCh38, chr8:69,586,404, plus strand): 5'-TTTCCCACTGCAGCCTTTTTTGGAAAATACCTCAATGAATATAATGGCAGCTACATCCCC[C>G]CTGGGTGGCGAGAATGGCTTGGATTAATCAAGAATTCTCGCTTCTATAATTACACTGTTT-3'
Protein context (NP_001121677.1, residues 144-164): LNEYNGSYIP[Pro154Ala]GWREWLGLIK